The following is an entry in ClinVar:

ClinVar aggregate classification (germline): Uncertain significance. Review status: criteria provided, multiple submitters, no conflicts (2 of 4 stars). 2 submissions from 2 submitters: Uncertain significance (2). Last evaluated 2025-12-24.

Conditions:
Inborn genetic diseases. Identifiers: MedGen C0950123, MeSH D030342.

Allele frequency attached by ClinVar (database versions not stated): gnomAD 0.00001 and 0.00002; gnomAD exomes 0.00001; ExAC 0.00002; TOPMed 0.00002.
gnomAD v4.1: 11 of 1,613,942 alleles (0.00068%); highest among the groups gnomAD compares: Non-Finnish European, 0.00085%; no homozygotes.

Submissions (2):

Ambry Genetics
Classification: Uncertain significance for Inborn genetic diseases. Last evaluated: 2025-12-24. Review status: criteria provided, single submitter. Criteria: Ambry Variant Classification Scheme 2023. Collection method: clinical testing. Allele origin: germline.

GeneDx
Classification: Uncertain significance. Last evaluated: 2019-11-14. Review status: criteria provided, single submitter. Criteria: GeneDx Variant Classification Process June 2021. Collection method: clinical testing. Allele origin: germline. Affected: yes.
Comment: Not observed at a significant frequency in large population cohorts (Lek et al., 2016); In silico analysis, which includes protein predictors and evolutionary conservation, supports a deleterious effect; Has not been previously published as pathogenic or benign to our knowledge

NM_001004127.3(ALG11):c.14A>G (p.Glu5Gly)

Genes: ALG11 (ALG11 alpha-1,2-mannosyltransferase; plus strand), LOC130009841 (ATAC-STARR-seq lymphoblastoid active region 7785; plus strand). Cytogenetic location: 13q14.3.
Variant type: single nucleotide variant.
Coding change: c.14A>G on transcript NM_001004127.3 (MANE Select); coding-DNA position 14, A replaced by G.
Protein change: p.Glu5Gly; replaces glutamic acid 5 with glycine.
Molecular consequence: missense variant. On other transcripts: non-coding transcript variant (1).
Genome position (GRCh38, 1-based): chr13:52,012,432, A>G. VCF-style: chr13-52012432-A-G. GRCh37 (hg19) VCF-style: chr13-52586568-A-G.
Other names: short protein forms E5G.
Identifiers: ClinVar variation 1201529 (VCV001201529.4), dbSNP rs758156559, ClinGen allele CA6989768.